The following is an entry in ClinVar:

ClinVar aggregate classification (germline): Conflicting classifications of pathogenicity. Review status: criteria provided, conflicting classifications (1 of 4 stars). 3 submissions from 3 submitters: Pathogenic (1); Uncertain significance (1). 1 of the submissions does not count toward it. Last evaluated 2023-07-31.

Conditions:
Developmental and epileptic encephalopathy. Identifiers: MedGen C5779964, MONDO:0100620.
Inborn genetic diseases. Identifiers: MedGen C0950123, MeSH D030342.

Submissions (3):

GeneDx
Classification: Pathogenic. Last evaluated: 2023-07-31. Review status: criteria provided, single submitter. Criteria: GeneDx Variant Classification Process June 2021. Collection method: clinical testing. Allele origin: germline. Affected: yes.
Comment: Not observed at significant frequency in large population cohorts (gnomAD); In silico analysis supports that this missense variant has a deleterious effect on protein structure/function; This variant is associated with the following publications: (PMID: 30343943, 32725632)

Ambry Genetics
Classification: Uncertain significance for Inborn genetic diseases. Last evaluated: 2017-08-25. Review status: criteria provided, single submitter. Criteria: Ambry exome assertion method (8-5-2015). Collection method: clinical testing. Allele origin: germline. Affected: yes. Observed: 1 variant allele.

Yale Center for Mendelian Genomics, Yale University
Classification: Likely pathogenic for Developmental and epileptic encephalopathy. Last evaluated: 2018-11-01. Review status: no assertion criteria provided. Collection method: literature only. Allele origin: de novo. Affected: yes. Observed: 1 heterozygote. Study: Yale Center for Mendelian Genomics. Not counted in ClinVar's aggregate classification.

Literature cited by the submitters: PubMed 30343943 (cited by Yale Center for Mendelian Genomics, Yale University).

NM_001205293.3(CACNA1E):c.4288G>A (p.Gly1430Arg)

Gene: CACNA1E (calcium voltage-gated channel subunit alpha1 E; plus strand). Cytogenetic location: 1q25.3.
Variant type: single nucleotide variant.
Coding change: c.4288G>A on transcript NM_001205293.3 (MANE Select); coding-DNA position 4288, G replaced by A.
Protein change: p.Gly1430Arg; replaces glycine 1430 with arginine.
Molecular consequence: missense variant.
Genome position (GRCh38, 1-based): chr1:181,757,085, G>A. VCF-style: chr1-181757085-G-A. GRCh37 (hg19) VCF-style: chr1-181726221-G-A.
Other names: c.4288G>A, p.Gly1430Arg (NM_000721.4); c.4231G>A, p.Gly1411Arg (NM_001205294.2); short protein forms G1430R, G1411R.
Identifiers: ClinVar variation 521937 (VCV000521937.7), dbSNP rs1553345844, ClinGen allele CA343624510.